The following is an entry in ClinVar:

NR_033294.2(SNORD118):n.68A>G

Genes: TMEM107 (transmembrane protein 107; minus strand), SNORD118 (small nucleolar RNA, C/D box 118; minus strand). Cytogenetic location: 17p13.1.
Variant type: single nucleotide variant.
Molecular consequence: non-coding transcript variant (on NR_033294.2). On other transcripts: 3 prime UTR variant (5).
Genome position: GRCh38 VCF-style: chr17-8173521-T-C. GRCh37 (hg19) VCF-style: chr17-8076839-T-C.
Other names: c.*682A>G (NM_001351278.2, NM_001351279.2, NM_001351280.2 and 2 more transcripts).
Identifiers: ClinVar variation 1899124 (VCV001899124.2), dbSNP rs189731051, ClinGen allele CA8370690.

ClinVar aggregate classification (germline): Uncertain significance (1 of 4 stars; one submission).

gnomAD v4.1: 58 of 765,228 alleles (0.0076%); highest among the groups gnomAD compares: Non-Finnish European, 0.01%; no homozygotes.

Submission:

Labcorp Genetics (formerly Invitae), Labcorp
Classification: Uncertain significance. Last evaluated: 2022-07-06. Review status: criteria provided, single submitter. Criteria: Invitae Variant Classification Sherloc (09022015). Collection method: clinical testing. Allele origin: germline.
Comment: This variant occurs in the SNORD118 gene, which encodes an RNA molecule that does not result in a protein product. This variant is present in population databases (rs189731051, gnomAD 0.02%). This variant has not been reported in the literature in individuals affected with SNORD118-related conditions. Experimental studies and prediction algorithms are not available or were not evaluated, and the functional significance of this variant is currently unknown. In summary, the available evidence is currently insufficient to determine the role of this variant in disease. Therefore, it has been classified as a Variant of Uncertain Significance.